The following is an entry in ClinVar:

NM_022489.4(INF2):c.1645G>A (p.Ala549Thr)

Gene: INF2 (inverted formin 2; plus strand). Cytogenetic location: 14q32.33.
Variant type: single nucleotide variant.
Coding change: c.1645G>A on transcript NM_022489.4 (MANE Select); coding-DNA position 1645, G replaced by A.
Protein change: p.Ala549Thr; replaces alanine 549 with threonine.
Molecular consequence: missense variant. On other transcripts: non-coding transcript variant (1).
Genome position (GRCh38, 1-based): chr14:104,707,912, G>A. VCF-style: chr14-104707912-G-A. GRCh37 (hg19) VCF-style: chr14-105174249-G-A.
Other names: c.1645G>A, p.Ala549Thr (NM_001031714.4, NM_001426862.1, NM_001426863.1 and 2 more transcripts); short protein forms A549T.
Identifiers: ClinVar variation 3907916 (VCV003907916.1).
Genomic context (GRCh38, chr14:104,707,912, plus strand): 5'-CCCGTGGCGGGAGGCATGGAGGAGGTCATCGTGGCCCAGGTGGACCATGGCTTGGGCTCA[G>A]CATGGGTCCCCAGCCATCGGCGGGTGAACCCACCCACACTGCGCATGAAGAAGCTGAACT-3'
Protein context (NP_071934.3, residues 539-559): VAQVDHGLGS[Ala549Thr]WVPSHRRVNP

ClinVar aggregate classification (germline): Uncertain significance (1 of 4 stars; one submission).

gnomAD v4.1: 1 of 1,603,210 alleles (0.000062%); highest among the groups gnomAD compares: East Asian, 0.0022%; no homozygotes.

Submission:

GeneDx
Classification: Uncertain significance. Last evaluated: 2024-12-26. Review status: criteria provided, single submitter. Criteria: GeneDx Variant Classification Process June 2021. Collection method: clinical testing. Allele origin: germline. Affected: yes.
Comment: Not observed at significant frequency in large population cohorts (gnomAD); In silico analysis indicates that this missense variant does not alter protein structure/function; Has not been previously published as pathogenic or benign to our knowledge